The following is an entry in ClinVar:

ClinVar aggregate classification (germline): Likely benign (1 of 4 stars; one submission).

Conditions:
Hereditary diffuse gastric adenocarcinoma (HDGC). Also called: DIFFUSE GASTRIC AND LOBULAR BREAST CANCER SYNDROME. Identifiers: Orphanet 26106, MedGen C1708349, MONDO:0007648, OMIM 137215.

Submission:

Myriad Genetics, Inc.
Classification: Likely benign for Hereditary diffuse gastric adenocarcinoma. Last evaluated: 2024-09-18. Review status: criteria provided, single submitter. Criteria: Myriad Autosomal Dominant, Autosomal Recessive and X-Linked Classification Criteria (2023). Collection method: clinical testing. Allele origin: unknown.
Comment: This variant is considered likely benign. This variant is intronic and is not expected to impact mRNA splicing.

NM_004360.5(CDH1):c.1138-11T>C

Gene: CDH1 (cadherin 1; plus strand). Cytogenetic location: 16q22.1.
Variant type: single nucleotide variant.
Coding change: c.1138-11T>C on transcript NM_004360.5 (MANE Select); 11 bases into the intron before coding-DNA position 1138, T replaced by C.
Molecular consequence: intron variant.
Genome position (GRCh38, 1-based): chr16:68,813,302, T>C. VCF-style: chr16-68813302-T-C. GRCh37 (hg19) VCF-style: chr16-68847205-T-C.
Other names: c.-478-11T>C (NM_001317185.2); c.-682-11T>C (NM_001317186.2); c.1137+1039T>C (NM_001317184.2).
Identifiers: ClinVar variation 3378686 (VCV003378686.1).